The following is an entry in ClinVar:

NM_000286.3(PEX12):c.191C>T (p.Thr64Ile)

Gene: PEX12 (peroxisomal biogenesis factor 12; minus strand). Cytogenetic location: 17q12.
Variant type: single nucleotide variant.
Coding change: c.191C>T on transcript NM_000286.3 (MANE Select); coding-DNA position 191, C replaced by T.
Protein change: p.Thr64Ile; replaces threonine 64 with isoleucine.
Molecular consequence: missense variant.
Genome position (GRCh38, 1-based): chr17:35,577,527, G>A on the plus strand (C>T on the coding strand, the complement: PEX12 is on the minus strand). VCF-style: chr17-35577527-G-A. GRCh37 (hg19) VCF-style: chr17-33904546-G-A.
Other names: c.191C>T (NM_000286.2); short protein forms T64I.
Identifiers: ClinVar variation 1506666 (VCV001506666.6), dbSNP rs766393993, ClinGen allele CA8504950.

ClinVar aggregate classification (germline): Uncertain significance. Review status: criteria provided, multiple submitters, no conflicts (2 of 4 stars). 2 submissions from 2 submitters: Uncertain significance (2). Last evaluated 2025-11-23.

Conditions:
Inborn genetic diseases. Identifiers: MedGen C0950123, MeSH D030342.
Peroxisome biogenesis disorder 3A (Zellweger). Also called: PEROXISOMAL BIOGENESIS DISORDER 3A (ZELLWEGER); Peroxisome biogenesis disorder 3A. Identifiers: Orphanet 912, MedGen C3553929, MONDO:0013927, OMIM 614859.

Allele frequency attached by ClinVar (database versions not stated): TOPMed below 0.00001; ExAC 0.00001; gnomAD 0.00003; gnomAD exomes 0.00002 and 0.00005.

Submissions (2):

Ambry Genetics
Classification: Uncertain significance for Inborn genetic diseases. Last evaluated: 2025-11-23. Review status: criteria provided, single submitter. Criteria: Ambry Variant Classification Scheme 2023. Collection method: clinical testing. Allele origin: germline.

Labcorp Genetics (formerly Invitae), Labcorp
Classification: Uncertain significance for Peroxisome biogenesis disorder 3A (Zellweger). Last evaluated: 2021-08-26. Review status: criteria provided, single submitter. Criteria: Invitae Variant Classification Sherloc (09022015). Collection method: clinical testing. Allele origin: germline.
Comment: This sequence change replaces threonine with isoleucine at codon 64 of the PEX12 protein (p.Thr64Ile). The threonine residue is moderately conserved and there is a moderate physicochemical difference between threonine and isoleucine. This variant is present in population databases (rs766393993, ExAC 0.002%). This variant has not been reported in the literature in individuals affected with PEX12-related conditions. Algorithms developed to predict the effect of missense changes on protein structure and function (SIFT, PolyPhen-2, Align-GVGD) all suggest that this variant is likely to be tolerated. In summary, the available evidence is currently insufficient to determine the role of this variant in disease. Therefore, it has been classified as a Variant of Uncertain Significance.